The following is an entry in ClinVar:

ClinVar aggregate classification (germline): Uncertain significance (1 of 4 stars; one submission).

Submission:

GeneDx
Classification: Uncertain significance. Last evaluated: 2025-08-08. Review status: criteria provided, single submitter. Criteria: GeneDx Variant Classification Process June 2021. Collection method: clinical testing. Allele origin: germline. Affected: yes.
Comment: Not observed at significant frequency in large population cohorts (gnomAD); In silico analysis suggests that this missense variant does not alter protein structure/function; Has not been previously published as pathogenic or benign to our knowledge; This variant is associated with the following publications: (PMID: 18409179)

NM_000489.6(ATRX):c.799A>G (p.Ile267Val)

Gene: ATRX (ATRX chromatin remodeler; minus strand). Cytogenetic location: Xq21.1.
Variant type: single nucleotide variant.
Coding change: c.799A>G on transcript NM_000489.6 (MANE Select); coding-DNA position 799, A replaced by G.
Protein change: p.Ile267Val; replaces isoleucine 267 with valine.
Molecular consequence: missense variant.
Genome position (GRCh38, 1-based): chrX:77,684,457, T>C on the plus strand (A>G on the coding strand, the complement: ATRX is on the minus strand). VCF-style: chrX-77684457-T-C. GRCh37 (hg19) VCF-style: chrX-76939949-T-C.
Other names: c.685A>G, p.Ile229Val (NM_138270.5); short protein forms I229V, I267V.
Identifiers: ClinVar variation 4755648 (VCV004755648.1).